The following is an entry in ClinVar:

ClinVar aggregate classification (germline): Uncertain significance (1 of 4 stars; one submission).

Submission:

Greenwood Genetic Center Diagnostic Laboratories, Greenwood Genetic Center
Classification: Uncertain significance. Last evaluated: 2022-06-01. Review status: criteria provided, single submitter. Criteria: ACMG Guidelines, 2015. Collection method: clinical testing. Allele origin: germline. Affected: yes.
Comment: Gene of Uncertain Significance

NM_001288811.1(ARL17A):c.294G>A (p.Trp98Ter)

Genes: ARL17A (ARF like GTPase 17A; minus strand), LRRC37A2 (leucine rich repeat containing 37 member A2). Cytogenetic location: 17q21.31.
Variant type: single nucleotide variant.
Coding change: c.294G>A on transcript NM_001288811.1; coding-DNA position 294, G replaced by A.
Protein change: p.Trp98Ter; replaces tryptophan 98 with a stop codon.
Molecular consequence: nonsense. On other transcripts: intron variant (5).
Genome position (GRCh38, 1-based): chr17:46,538,392, C>T on the plus strand (G>A on the coding strand, the complement: ARL17A is on the minus strand). VCF-style: chr17-46538392-C-T. GRCh37 (hg19) VCF-style: chr17-44615758-C-T.
Other names: c.2907-1784C>T (NM_001006607.3, NM_001385803.1); c.260-21159G>A (NM_001288812.1, NM_016632.2); c.260-9533G>A (NM_001288813.1); short protein forms W98*.
Identifiers: ClinVar variation 1703085 (VCV001703085.3), dbSNP rs2145449002, ClinGen allele CA399997863.
Genomic context (GRCh38, chr17:46,538,392, plus strand): 5'-ACTGAGGAAGGAGGATTACCTGAGCTTGGGAAGAGGACGTTGCAGTGAGCCAAGATCACG[C>T]CACTGCACTCCAGCCTGGTCAATGGAGCAAGACCCTGTTTGGGTGGGGAGGGGAGGGGAG-3'